The following is an entry in ClinVar:

NM_001142966.3(GREB1L):c.2427T>C (p.Asn809=)

Gene: GREB1L (GREB1 like retinoic acid receptor coactivator; plus strand). Cytogenetic location: 18q11.1.
Variant type: single nucleotide variant.
Coding change: c.2427T>C on transcript NM_001142966.3 (MANE Select); coding-DNA position 2427, T replaced by C.
Protein change: p.Asn809=; no amino-acid change (asparagine 809 retained).
Molecular consequence: synonymous variant.
Genome position (GRCh38, 1-based): chr18:21,477,227, T>C. VCF-style: chr18-21477227-T-C. GRCh37 (hg19) VCF-style: chr18-19057188-T-C.
Other names: c.2556T>C, p.Asn852= (NM_001410867.1); c.2100T>C, p.Asn700= (NM_001410868.1).
Identifiers: ClinVar variation 4821142 (VCV004821142.4).

ClinVar aggregate classification (germline): Likely benign (1 of 4 stars; one submission).

gnomAD v4.1: 14 of 1,552,110 alleles (0.0009%); highest among the groups gnomAD compares: Non-Finnish European, 0.001%; no homozygotes.

Submission:

CeGaT Center for Human Genetics Tuebingen
Classification: Likely benign. Last evaluated: 2026-02-01. Review status: criteria provided, single submitter. Criteria: CeGaT Center For Human Genetics Tuebingen Variant Classification Criteria Version 2. Collection method: clinical testing. Allele origin: germline. Affected: yes. Observed: 1 variant allele.
Comment: GREB1L: BP4, BP7